The following is an entry in ClinVar:

NM_000051.4(ATM):c.3037G>T (p.Asp1013Tyr)

Gene: ATM (ATM serine/threonine kinase; plus strand). Cytogenetic location: 11q22.3.
Variant type: single nucleotide variant.
Coding change: c.3037G>T on transcript NM_000051.4 (MANE Select); coding-DNA position 3037, G replaced by T.
Protein change: p.Asp1013Tyr; replaces aspartic acid 1013 with tyrosine.
Molecular consequence: missense variant.
Genome position (GRCh38, 1-based): chr11:108,271,366, G>T. VCF-style: chr11-108271366-G-T. GRCh37 (hg19) VCF-style: chr11-108142093-G-T.
Other names: c.3037G>T, p.Asp1013Tyr (NM_001351834.2); c.3037G>T (NM_000051.3); short protein forms D1013Y.
Identifiers: ClinVar variation 1462826 (VCV001462826.9), dbSNP rs2135554187, ClinGen allele CA382547557.
Genomic context (GRCh38, chr11:108,271,366, plus strand): 5'-CATGTCCTTCATGTAGTGAAAAACCTAGGTCAAAGCAATATGGACTCTGAGAACACAAGG[G>T]ATGCTCAAGGACAGTTTCTTACAGTAATTGGAGCATTTTGGTAGGTACAGTCTATTTTGT-3'
Protein context (NP_000042.3, residues 1003-1023): QSNMDSENTR[Asp1013Tyr]AQGQFLTVIG

ClinVar aggregate classification (germline): Uncertain significance. Review status: criteria provided, multiple submitters, no conflicts (2 of 4 stars). 2 submissions from 2 submitters: Uncertain significance (2). Last evaluated 2025-10-27.

Conditions:
Hereditary cancer-predisposing syndrome. Also called: Neoplastic Syndromes, Hereditary; Hereditary Cancer Syndrome; Tumor predisposition; Hereditary neoplastic syndrome. Identifiers: Orphanet 140162, MedGen C0027672, MeSH D009386, MONDO:0015356.
Ataxia-telangiectasia syndrome (AT). Also called: Ataxia-telangiectasia, complementation group D; AT, COMPLEMENTATION GROUP C; Cerebello-oculocutaneous telangiectasia; Immunodeficiency with ataxia telangiectasia; Ataxia-telangiectasia, complementation group E; LOUIS-BAR SYNDROME. Identifiers: Orphanet 100, MedGen C0004135, MONDO:0008840, OMIM 208900.

Submissions (2):

Ambry Genetics
Classification: Uncertain significance for Hereditary cancer-predisposing syndrome. Last evaluated: 2025-10-27. Review status: criteria provided, single submitter. Criteria: Ambry Variant Classification Scheme 2023. Collection method: clinical testing. Allele origin: germline.
Comment: The p.D1013Y variant (also known as c.3037G>T), located in coding exon 19 of the ATM gene, results from a G to T substitution at nucleotide position 3037. The aspartic acid at codon 1013 is replaced by tyrosine, an amino acid with highly dissimilar properties. In an assay testing ATM function, this variant showed a functionally normal result (Lee KS et al. Cell, 2025 Sep;188:5081-5099.e27). This amino acid position is not well conserved in available vertebrate species. In addition, this alteration is predicted to be tolerated by in silico analysis. Based on the available evidence, the clinical significance of this variant remains unclear.

Labcorp Genetics (formerly Invitae), Labcorp
Classification: Uncertain significance for Ataxia-telangiectasia syndrome. Last evaluated: 2025-02-12. Review status: criteria provided, single submitter. Criteria: Invitae Variant Classification Sherloc (09022015). Collection method: clinical testing. Allele origin: germline.
Comment: This sequence change replaces aspartic acid, which is acidic and polar, with tyrosine, which is neutral and polar, at codon 1013 of the ATM protein (p.Asp1013Tyr). This variant is not present in population databases (gnomAD no frequency). This variant has not been reported in the literature in individuals affected with ATM-related conditions. ClinVar contains an entry for this variant (Variation ID: 1462826). Invitae Evidence Modeling of protein sequence and biophysical properties (such as structural, functional, and spatial information, amino acid conservation, physicochemical variation, residue mobility, and thermodynamic stability) indicates that this missense variant is not expected to disrupt ATM protein function with a negative predictive value of 95%. Algorithms developed to predict the effect of sequence changes on RNA splicing suggest that this variant may disrupt the consensus splice site. In summary, the available evidence is currently insufficient to determine the role of this variant in disease. Therefore, it has been classified as a Variant of Uncertain Significance.

Literature cited by the submitters: PubMed 40580951 (cited by Ambry Genetics).